The following is an entry in ClinVar:

ClinVar aggregate classification (germline): Pathogenic (1 of 4 stars; one submission).

Conditions:
Lymphoproliferative syndrome 1 (LPFS1). Identifiers: Orphanet 238505, Orphanet 538963, MedGen C3552634, MONDO:0013081, OMIM 613011.

gnomAD v4.1: 1 of 1,613,732 alleles (0.000062%); highest among the groups gnomAD compares: Non-Finnish European, 0.000085%; no homozygotes.

Submission:

Labcorp Genetics (formerly Invitae), Labcorp
Classification: Pathogenic for Lymphoproliferative syndrome 1. Last evaluated: 2024-03-05. Review status: criteria provided, single submitter. Criteria: Invitae Variant Classification Sherloc (09022015). Collection method: clinical testing. Allele origin: germline.
Comment: This sequence change creates a premature translational stop signal (p.Glu309*) in the ITK gene. It is expected to result in an absent or disrupted protein product. Loss-of-function variants in ITK are known to be pathogenic (PMID: 16860760, 22289921, 26056787). This variant is not present in population databases (gnomAD no frequency). This variant has not been reported in the literature in individuals affected with ITK-related conditions. Algorithms developed to predict the effect of sequence changes on RNA splicing suggest that this variant may disrupt the consensus splice site. For these reasons, this variant has been classified as Pathogenic.

Literature cited by the submitters: PubMed 16860760; PubMed 22289921; PubMed 26056787.

NM_005546.4(ITK):c.925G>T (p.Glu309Ter)

Gene: ITK (IL2 inducible T cell kinase; plus strand). Cytogenetic location: 5q33.3.
Variant type: single nucleotide variant.
Coding change: c.925G>T on transcript NM_005546.4 (MANE Select); coding-DNA position 925, G replaced by T.
Protein change: p.Glu309Ter; replaces glutamic acid 309 with a stop codon.
Molecular consequence: nonsense.
Genome position (GRCh38, 1-based): chr5:157,240,135, G>T. VCF-style: chr5-157240135-G-T. GRCh37 (hg19) VCF-style: chr5-156667145-G-T.
Other names: short protein forms E309*.
Identifiers: ClinVar variation 3667792 (VCV003667792.2).